The following is an entry in ClinVar:

NM_000256.3(MYBPC3):c.2760G>A (p.Leu920=)

Gene: MYBPC3 (myosin binding protein C3; minus strand). Cytogenetic location: 11p11.2.
Variant type: single nucleotide variant.
Coding change: c.2760G>A on transcript NM_000256.3 (MANE Select); coding-DNA position 2760, G replaced by A.
Protein change: p.Leu920=; no amino-acid change (leucine 920 retained).
Molecular consequence: synonymous variant.
Genome position (GRCh38, 1-based): chr11:47,335,187, C>T on the plus strand (G>A on the coding strand, the complement: MYBPC3 is on the minus strand). VCF-style: chr11-47335187-C-T. GRCh37 (hg19) VCF-style: chr11-47356738-C-T.
Identifiers: ClinVar variation 756266 (VCV000756266.11), dbSNP rs1595842606, ClinGen allele CA474213609.
Genomic context (GRCh38, chr11:47,335,187, plus strand): 5'-CAGCCGGGCCCCCGTGGGCAGGTCCTTCACCAGTATCGATGTGTGCTCTGTCAGCCCCTG[C>T]AGGGCAGCCACCCACTCTGAGCCTGGGGGTGGGGAGGGGGAGGCAAGGCCACAGGCTGTG-3'
Protein context (NP_000247.2, residues 910-930): PEGCSEWVAA[Leu920=]QGLTEHTSIL

ClinVar aggregate classification (germline): Likely benign. Review status: criteria provided, multiple submitters, no conflicts (2 of 4 stars). 3 submissions from 3 submitters: Likely benign (3). Last evaluated 2025-07-30.

Conditions:
Hypertrophic cardiomyopathy. Also called: HYPERTROPHIC MYOCARDIOPATHY. Identifiers: Orphanet 217569, MedGen C0007194, MeSH D002312, MONDO:0005045, HP:0001639.
Cardiomyopathy (CMYO). Also called: Cardiomyopathies. Identifiers: Orphanet 167848, MedGen C0878544, MONDO:0004994, HP:0001638. Inheritance: Various modes of inheritance.

gnomAD v4.1: 2 of 1,605,746 alleles (0.00012%); highest among the groups gnomAD compares: Non-Finnish European, 0.00017%; no homozygotes.

Submissions (3):

Labcorp Genetics (formerly Invitae), Labcorp
Classification: Likely benign for Hypertrophic cardiomyopathy. Last evaluated: 2025-07-30. Review status: criteria provided, single submitter. Criteria: Invitae Variant Classification Sherloc (09022015). Collection method: clinical testing. Allele origin: germline.

All of Us Research Program, National Institutes of Health
Classification: Likely benign for Hypertrophic cardiomyopathy. Last evaluated: 2023-03-23. Review status: criteria provided, single submitter. Criteria: ACMG Guidelines, 2015. Collection method: clinical testing. Allele origin: germline. Inheritance: Autosomal dominant inheritance. Observed: 1 variant allele, 1 heterozygote.
Comment: This study involves interpretation of variants in research participants for the purpose of population health screening. Participant phenotype was not available at the time of variant classification. Additional details can be found in publication PMID: 35346344, PMCID: PMC8962531

Color Diagnostics, LLC DBA Color Health
Classification: Likely benign for Cardiomyopathy. Last evaluated: 2019-09-30. Review status: criteria provided, single submitter. Criteria: ACMG Guidelines, 2015. Collection method: clinical testing. Allele origin: germline.